The following is an entry in ClinVar:

NM_006063.3(KLHL41):c.83_107delinsTGTCA (p.Asp28fs)

Gene: KLHL41 (kelch like family member 41; plus strand). Cytogenetic location: 2q31.1.
Variant type: Indel.
Coding change: c.83_107delinsTGTCA on transcript NM_006063.3 (MANE Select); coding-DNA positions 83 to 107, ATGAGAAAAAATTCATCGATTGCAC replaced by TGTCA.
Protein change: p.Asp28fs; shifts the reading frame from aspartic acid 28.
Molecular consequence: frameshift variant.
Genome position (GRCh38, 1-based): chr2:169,509,861-169,509,885, ATGAGAAAAAATTCATCGATTGCAC replaced by TGTCA. VCF-style: chr2-169509861-ATGAGAAAAAATTCATCGATTGCAC-TGTCA. GRCh37 (hg19) VCF-style: chr2-170366371-ATGAGAAAAAATTCATCGATTGCAC-TGTCA.
Other names: c.83_107del25insTGTCA (NM_006063.2); short protein forms D28fs.
Identifiers: ClinVar variation 817308 (VCV000817308.2), dbSNP rs1574349073, ClinGen allele CA915942947.

ClinVar aggregate classification (germline): Likely pathogenic (1 of 4 stars; one submission).

Submission:

GeneDx
Classification: Likely pathogenic. Last evaluated: 2020-03-06. Review status: criteria provided, single submitter. Criteria: GeneDx Variant Classification Process June 2021. Collection method: clinical testing. Allele origin: germline. Affected: yes.
Comment: Frameshift variant predicted to result in protein truncation or nonsense mediated decay in a gene for which loss-of-function is a known mechanism of disease; Not observed in large population cohorts (Lek et al., 2016); Has not been previously published as pathogenic or benign to our knowledge